The following is an entry in ClinVar:

NM_002335.4(LRP5):c.945C>G (p.Ser315Arg)

Gene: LRP5 (LDL receptor related protein 5; plus strand). Cytogenetic location: 11q13.2.
Variant type: single nucleotide variant.
Coding change: c.945C>G on transcript NM_002335.4 (MANE Select); coding-DNA position 945, C replaced by G.
Protein change: p.Ser315Arg; replaces serine 315 with arginine.
Molecular consequence: missense variant. On other transcripts: 5 prime UTR variant (1).
Genome position (GRCh38, 1-based): chr11:68,365,632, C>G. VCF-style: chr11-68365632-C-G. GRCh37 (hg19) VCF-style: chr11-68133100-C-G.
Other names: c.-821C>G (NM_001291902.2); short protein forms S315R.
Identifiers: ClinVar variation 1023944 (VCV001023944.8), dbSNP rs749461497, ClinGen allele CA381611472.
Genomic context (GRCh38, chr11:68,365,632, plus strand): 5'-CCACACTCGCTGTGAGGAGGACAATGGCGGCTGCTCCCACCTGTGCCTGCTGTCCCCAAG[C>G]GAGCCTTTCTACACATGCGCCTGCCCCACGGGTGTGCAGCTGCAGGACAACGGCAGGACG-3'
Protein context (NP_002326.2, residues 305-325): GCSHLCLLSP[Ser315Arg]EPFYTCACPT

ClinVar aggregate classification (germline): Uncertain significance (1 of 4 stars; one submission).

gnomAD v4.1: 1 of 1,613,592 alleles (0.000062%); highest among the groups gnomAD compares: South Asian, 0.0011%; no homozygotes.

Submission:

Labcorp Genetics (formerly Invitae), Labcorp
Classification: Uncertain significance. Last evaluated: 2022-06-13. Review status: criteria provided, single submitter. Criteria: Invitae Variant Classification Sherloc (09022015). Collection method: clinical testing. Allele origin: germline.
Comment: This sequence change replaces serine, which is neutral and polar, with arginine, which is basic and polar, at codon 315 of the LRP5 protein (p.Ser315Arg). ClinVar contains an entry for this variant (Variation ID: 1023944). This variant has not been reported in the literature in individuals affected with LRP5-related conditions. This variant is not present in population databases (gnomAD no frequency). In summary, the available evidence is currently insufficient to determine the role of this variant in disease. Therefore, it has been classified as a Variant of Uncertain Significance. Advanced modeling of protein sequence and biophysical properties (such as structural, functional, and spatial information, amino acid conservation, physicochemical variation, residue mobility, and thermodynamic stability) performed at Invitae indicates that this missense variant is not expected to disrupt LRP5 protein function.